The following is an entry in ClinVar:

ClinVar aggregate classification (germline): Uncertain significance (1 of 4 stars; one submission).

Conditions:
CHARGE syndrome (CHARGE). Also called: Hittner Hirsch Kreh syndrome; CHARGE ASSOCIATION--COLOBOMA, HEART ANOMALY, CHOANAL ATRESIA, RETARDATION, GENITAL AND EAR ANOMALIES; Coloboma, heart anomaly, choanal atresia, retardation, genital and ear anomalies; CHARGE association; Hall-Hittner syndrome. Identifiers: Orphanet 138, MedGen C0265354, MONDO:0008965.

Allele frequency attached by ClinVar (database versions not stated): ExAC 0.00001; TOPMed 0.00001; gnomAD exomes 0.00002.
gnomAD v4.1: 24 of 1,613,992 alleles (0.0015%); highest among the groups gnomAD compares: Middle Eastern, 0.016%; no homozygotes.

Submission:

Labcorp Genetics (formerly Invitae), Labcorp
Classification: Uncertain significance for CHARGE syndrome. Last evaluated: 2025-04-02. Review status: criteria provided, single submitter. Criteria: Invitae Variant Classification Sherloc (09022015). Collection method: clinical testing. Allele origin: germline.
Comment: This sequence change replaces tyrosine, which is neutral and polar, with cysteine, which is neutral and slightly polar, at codon 149 of the SEMA3E protein (p.Tyr149Cys). This variant is present in population databases (rs775302619, gnomAD 0.003%). This variant has not been reported in the literature in individuals affected with SEMA3E-related conditions. ClinVar contains an entry for this variant (Variation ID: 841168). Invitae Evidence Modeling of protein sequence and biophysical properties (such as structural, functional, and spatial information, amino acid conservation, physicochemical variation, residue mobility, and thermodynamic stability) indicates that this missense variant is not expected to disrupt SEMA3E protein function with a negative predictive value of 80%. In summary, the available evidence is currently insufficient to determine the role of this variant in disease. Therefore, it has been classified as a Variant of Uncertain Significance.

NM_012431.3(SEMA3E):c.446A>G (p.Tyr149Cys)

Gene: SEMA3E (semaphorin 3E; minus strand). Cytogenetic location: 7q21.11.
Variant type: single nucleotide variant.
Coding change: c.446A>G on transcript NM_012431.3 (MANE Select); coding-DNA position 446, A replaced by G.
Protein change: p.Tyr149Cys; replaces tyrosine 149 with cysteine.
Molecular consequence: missense variant.
Genome position (GRCh38, 1-based): chr7:83,466,492, T>C on the plus strand (A>G on the coding strand, the complement: SEMA3E is on the minus strand). VCF-style: chr7-83466492-T-C. GRCh37 (hg19) VCF-style: chr7-83095808-T-C.
Other names: c.266A>G, p.Tyr89Cys (NM_001178129.2); short protein forms Y149C, Y89C.
Identifiers: ClinVar variation 841168 (VCV000841168.9), dbSNP rs775302619, ClinGen allele CA4322346.